The following is an entry in ClinVar:

NM_004960.4(FUS):c.1483dup (p.Arg495fs)

Gene: FUS (FUS RNA binding protein; plus strand). Cytogenetic location: 16p11.2.
Variant type: Duplication.
Coding change: c.1483dup on transcript NM_004960.4 (MANE Select); coding-DNA position 1483, one base duplicated (C; older notation c.1483dupC).
Protein change: p.Arg495fs; shifts the reading frame from arginine 495.
Molecular consequence: frameshift variant. On other transcripts: non-coding transcript variant (1).
Genome position (GRCh38, 1-based): chr16:31,191,052, C duplicated; the last of 2 consecutive C bases (chr16:31,191,051-31,191,052); duplicating either gives the same sequence. VCF-style (leftmost placement, unchanged base first): chr16-31191050-T-TC. GRCh37 (hg19) VCF-style: chr16-31202371-T-TC.
Other names: c.1480dup, p.Arg494fs (NM_001170634.1); c.1471dup, p.Arg491fs (NM_001170937.1); short protein forms R491fs, R494fs, R495fs.
Identifiers: ClinVar variation 4533182 (VCV004533182.1).

ClinVar aggregate classification (germline): Likely pathogenic (1 of 4 stars; one submission).

Conditions:
Nanophthalmos 4 (NNO4). Also called: NANOPHTHALMIA 4. Identifiers: Orphanet 35612, MedGen C4014848, MONDO:0014426, OMIM 615972.

Submission:

Intergen Genetics and Rare Diseases Diagnosis Center
Classification: Likely pathogenic for Nanophthalmos 4. Last evaluated: 2025-12-01. Review status: criteria provided, single submitter. Criteria: ACMG Guidelines, 2015. Collection method: clinical testing. Allele origin: germline. Inheritance: Autosomal dominant inheritance. Affected: yes. Observed: 1 heterozygote.
Comment: The change is located in the middle of exon 14 and is highly likely to cause loss of function.